The following is an entry in ClinVar:

ClinVar aggregate classification (germline): Pathogenic (1 of 4 stars; one submission).

Conditions:
Very long chain acyl-CoA dehydrogenase deficiency (ACADVLD). Also called: Very Long-Chain Acyl-Coenzyme A Dehydrogenase Deficiency; VLCAD Deficiency. Identifiers: Orphanet 26793, MedGen C3887523, MONDO:0008723, OMIM 201475.

Submission:

Labcorp Genetics (formerly Invitae), Labcorp
Classification: Pathogenic for Very long chain acyl-CoA dehydrogenase deficiency. Last evaluated: 2021-05-03. Review status: criteria provided, single submitter. Criteria: Invitae Variant Classification Sherloc (09022015). Collection method: clinical testing. Allele origin: germline.
Comment: For these reasons, this variant has been classified as Pathogenic. This variant has not been reported in the literature in individuals with ACADVL-related conditions. This variant is not present in population databases (ExAC no frequency). This sequence change creates a premature translational stop signal (p.Leu163Phefs*9) in the ACADVL gene. It is expected to result in an absent or disrupted protein product. Loss-of-function variants in ACADVL are known to be pathogenic (PMID: 9973285, 11590124).

Literature cited by the submitters: PubMed 9973285; PubMed 11590124.

NM_000018.4(ACADVL):c.488dup (p.Leu163fs)

Gene: ACADVL (acyl-CoA dehydrogenase very long chain; plus strand). Cytogenetic location: 17p13.1.
Variant type: Duplication.
Coding change: c.488dup on transcript NM_000018.4 (MANE Select); coding-DNA position 488, one base duplicated (T; older notation c.488dupT).
Protein change: p.Leu163fs; shifts the reading frame from leucine 163.
Molecular consequence: frameshift variant.
Genome position (GRCh38, 1-based): chr17:7,221,548, T duplicated; the last of 3 consecutive T bases (chr17:7,221,546-7,221,548); duplicating any one gives the same sequence. VCF-style (leftmost placement, unchanged base first): chr17-7221545-G-GT. GRCh37 (hg19) VCF-style: chr17-7124864-G-GT.
Other names: c.422dup, p.Leu141fs (NM_001033859.3); c.557dup, p.Leu186fs (NM_001270447.2); c.260dup, p.Leu87fs (NM_001270448.2); short protein forms L163fs, L186fs, L141fs, L87fs.
Identifiers: ClinVar variation 1447373 (VCV001447373.6), dbSNP rs2142974010, ClinGen allele CA2573154541.